The following is an entry in ClinVar:

NC_012920.1(MT-ND5):m.12535C>T

Gene: MT-ND5 (mitochondrially encoded NADH dehydrogenase 5; plus strand).
Variant type: single nucleotide variant.
Genome position: chrM-12535-C-T.
Identifiers: ClinVar variation 235010 (VCV000235010.4), dbSNP rs876661356, ClinGen allele CA10581194.

ClinVar aggregate classification (germline): Conflicting classifications of pathogenicity. Review status: criteria provided, conflicting classifications (1 of 4 stars). 2 submissions from 2 submitters: Uncertain significance (1); Benign (1). Last evaluated 2019-10-17.

Conditions:
Leigh syndrome (NULS). Also called: Leigh's necrotizing encephalopathy; Leigh's disease; Leigh's syndrome; Subacute necrotizing encephalopathy; Necrotizing encephalopathy infantile subacute of Leigh; Leigh Disease. Identifiers: Orphanet 506, MedGen C2931891, MONDO:0009723, OMIM 256000.

Submissions (2):

Wong Mito Lab, Molecular and Human Genetics, Baylor College of Medicine
Classification: Benign for Leigh syndrome. Last evaluated: 2019-10-17. Review status: criteria provided, single submitter. Criteria: Modified ACMG Guidelines (Unpublished). Collection method: clinical testing. Allele origin: germline.
Comment: The NC_012920.1:m.12535C>T (YP_003024036.1:p.His67Tyr) variant in MTND5 gene is interpretated to be a Benign variant based on the modified ACMG guidelines (unpublished). This variant meets the following evidence codes: BS1, BS2

Stanford Center for Inherited Cardiovascular Disease, Stanford University
Classification: Uncertain significance. Last evaluated: 2013-04-22. Review status: criteria provided, single submitter. Criteria: ACMG Guidelines, 2015. Collection method: provider interpretation. Allele origin: germline.